The following is an entry in ClinVar:

NM_002180.3(IGHMBP2):c.686T>G (p.Leu229Arg)

Gene: IGHMBP2 (immunoglobulin mu DNA binding protein 2; plus strand). Cytogenetic location: 11q13.3.
Variant type: single nucleotide variant.
Coding change: c.686T>G on transcript NM_002180.3 (MANE Select); coding-DNA position 686, T replaced by G.
Protein change: p.Leu229Arg; replaces leucine 229 with arginine.
Molecular consequence: missense variant.
Genome position (GRCh38, 1-based): chr11:68,911,578, T>G. VCF-style: chr11-68911578-T-G. GRCh37 (hg19) VCF-style: chr11-68679046-T-G.
Other names: short protein forms L229R.
Identifiers: ClinVar variation 1500549 (VCV001500549.5), dbSNP rs2154006946, ClinGen allele CA381644003.

ClinVar aggregate classification (germline): Uncertain significance (1 of 4 stars; one submission).

Conditions:
Charcot-Marie-Tooth disease axonal type 2S. Also called: CHARCOT-MARIE-TOOTH NEUROPATHY, TYPE 2S; CHARCOT-MARIE-TOOTH DISEASE, AXONAL, AUTOSOMAL RECESSIVE, TYPE 2S. Identifiers: Orphanet 443073, MedGen C4015349, MONDO:0014511, OMIM 616155.
Autosomal recessive distal spinal muscular atrophy 1. Also called: HMN VI; SPINAL MUSCULAR ATROPHY, DIAPHRAGMATIC; Spinal muscular atrophy with respiratory distress 1; NEURONOPATHY, DISTAL HEREDITARY MOTOR, HARDING TYPE VI; NEUROPATHY, DISTAL HEREDITARY MOTOR, AUTOSOMAL RECESSIVE 1; NEURONOPATHY, SEVERE INFANTILE AXONAL, WITH RESPIRATORY FAILURE. Identifiers: Orphanet 98920, MedGen C1858517, MONDO:0011436, OMIM 604320.

gnomAD v4.1: 12 of 1,614,256 alleles (0.00074%); highest among the groups gnomAD compares: Non-Finnish European, 0.001%; no homozygotes.

Submission:

Labcorp Genetics (formerly Invitae), Labcorp
Classification: Uncertain significance for Autosomal recessive distal spinal muscular atrophy 1; Charcot-Marie-Tooth disease axonal type 2S. Last evaluated: 2022-07-11. Review status: criteria provided, single submitter. Criteria: Invitae Variant Classification Sherloc (09022015). Collection method: clinical testing. Allele origin: germline.
Comment: This sequence change replaces leucine, which is neutral and non-polar, with arginine, which is basic and polar, at codon 229 of the IGHMBP2 protein (p.Leu229Arg). This variant is not present in population databases (gnomAD no frequency). This variant has not been reported in the literature in individuals affected with IGHMBP2-related conditions. ClinVar contains an entry for this variant (Variation ID: 1500549). Advanced modeling of protein sequence and biophysical properties (such as structural, functional, and spatial information, amino acid conservation, physicochemical variation, residue mobility, and thermodynamic stability) performed at Invitae indicates that this missense variant is not expected to disrupt IGHMBP2 protein function. In summary, the available evidence is currently insufficient to determine the role of this variant in disease. Therefore, it has been classified as a Variant of Uncertain Significance.